The following is an entry in ClinVar:

NM_018417.6(ADCY10):c.2859T>A (p.Cys953Ter)

Gene: ADCY10 (adenylate cyclase 10; minus strand). Cytogenetic location: 1q24.2.
Variant type: single nucleotide variant.
Coding change: c.2859T>A on transcript NM_018417.6 (MANE Select); coding-DNA position 2859, T replaced by A.
Protein change: p.Cys953Ter; replaces cysteine 953 with a stop codon.
Molecular consequence: nonsense.
Genome position (GRCh38, 1-based): chr1:167,845,711, A>T on the plus strand (T>A on the coding strand, the complement: ADCY10 is on the minus strand). VCF-style: chr1-167845711-A-T. GRCh37 (hg19) VCF-style: chr1-167814949-A-T.
Other names: c.2400T>A, p.Cys800Ter (NM_001167749.3); c.2583T>A, p.Cys861Ter (NM_001297772.2); short protein forms C800*, C953*, C861*.
Identifiers: ClinVar variation 2154138 (VCV002154138.4), dbSNP rs2525194037, ClinGen allele CA343080721.

ClinVar aggregate classification (germline): Pathogenic (1 of 4 stars; one submission).

Allele frequency attached by ClinVar (database versions not stated): gnomAD exomes below 0.00001.
gnomAD v4.1: 1 of 1,614,252 alleles (0.000062%); highest among the groups gnomAD compares: Non-Finnish European, 0.000085%; no homozygotes.

Submission:

Labcorp Genetics (formerly Invitae), Labcorp
Classification: Pathogenic. Last evaluated: 2022-01-13. Review status: criteria provided, single submitter. Criteria: Invitae Variant Classification Sherloc (09022015). Collection method: clinical testing. Allele origin: germline.
Comment: This variant is not present in population databases (gnomAD no frequency). This sequence change creates a premature translational stop signal (p.Cys953*) in the ADCY10 gene. It is expected to result in an absent or disrupted protein product. Loss-of-function variants in ADCY10 are known to be pathogenic (PMID: 31119281). This variant has not been reported in the literature in individuals affected with ADCY10-related conditions. For these reasons, this variant has been classified as Pathogenic.

Literature cited by the submitters: PubMed 31119281.